The following is an entry in ClinVar:

ClinVar aggregate classification (germline): Uncertain significance (1 of 4 stars; one submission).

Conditions:
Ataxia-telangiectasia syndrome (AT). Also called: LOUIS-BAR SYNDROME; Cerebello-oculocutaneous telangiectasia; Immunodeficiency with ataxia telangiectasia; Ataxia telangiectasia (A-T); Ataxia-telangiectasia, complementation group D; AT, COMPLEMENTATION GROUP C. Identifiers: Orphanet 100, MedGen C0004135, MONDO:0008840, OMIM 208900.

Submission:

Labcorp Genetics (formerly Invitae), Labcorp
Classification: Uncertain significance for Ataxia-telangiectasia syndrome. Last evaluated: 2024-11-25. Review status: criteria provided, single submitter. Criteria: Invitae Variant Classification Sherloc (09022015). Collection method: clinical testing. Allele origin: germline.
Comment: This sequence change replaces proline, which is neutral and non-polar, with serine, which is neutral and polar, at codon 2553 of the ATM protein (p.Pro2553Ser). This variant is not present in population databases (gnomAD no frequency). This variant has not been reported in the literature in individuals affected with ATM-related conditions. ClinVar contains an entry for this variant (Variation ID: 2827375). Invitae Evidence Modeling of protein sequence and biophysical properties (such as structural, functional, and spatial information, amino acid conservation, physicochemical variation, residue mobility, and thermodynamic stability) indicates that this missense variant is expected to disrupt ATM protein function with a positive predictive value of 95%. In summary, the available evidence is currently insufficient to determine the role of this variant in disease. Therefore, it has been classified as a Variant of Uncertain Significance.

NM_000051.4(ATM):c.7657C>T (p.Pro2553Ser)

Genes: ATM (ATM serine/threonine kinase; plus strand), C11orf65 (chromosome 11 open reading frame 65; minus strand). Cytogenetic location: 11q22.3.
Variant type: single nucleotide variant.
Coding change: c.7657C>T on transcript NM_000051.4 (MANE Select); coding-DNA position 7657, C replaced by T.
Protein change: p.Pro2553Ser; replaces proline 2553 with serine.
Molecular consequence: missense variant. On other transcripts: intron variant (2).
Genome position (GRCh38, 1-based): chr11:108,331,906, C>T. VCF-style: chr11-108331906-C-T. GRCh37 (hg19) VCF-style: chr11-108202633-C-T.
Other names: c.641-22835G>A (NM_001330368.2); c.*38+3314G>A (NM_001351110.2); c.7657C>T, p.Pro2553Ser (NM_001351834.2); short protein forms P2553S.
Identifiers: ClinVar variation 2827375 (VCV002827375.3), dbSNP rs1555124475, ClinGen allele CA382560947.